The following is an entry in ClinVar:

NM_003970.4(MYOM2):c.3000G>A (p.Glu1000=)

Gene: MYOM2 (myomesin 2; plus strand). Cytogenetic location: 8p23.3.
Variant type: single nucleotide variant.
Coding change: c.3000G>A on transcript NM_003970.4 (MANE Select); coding-DNA position 3000, G replaced by A.
Protein change: p.Glu1000=; no amino-acid change (glutamic acid 1000 retained).
Molecular consequence: synonymous variant.
Genome position (GRCh38, 1-based): chr8:2,108,787, G>A. VCF-style: chr8-2108787-G-A. GRCh37 (hg19) VCF-style: chr8-2056578-G-A.
Identifiers: ClinVar variation 3050335 (VCV003050335.2), dbSNP rs148418008, ClinGen allele CA170459816.

ClinVar aggregate classification (germline): Likely benign (0 of 4 stars; one submission).

Conditions:
MYOM2-related disorder. Also called: MYOM2-related condition.

Allele frequency attached by ClinVar (database versions not stated): 1000 Genomes Project 30x 0.00016; ExAC 0.00019; 1000 Genomes Project 0.00020; ESP Exome Variant Server 0.00046; TOPMed 0.00070.
gnomAD v4.1: 166 of 1,613,882 alleles (0.01%); highest among the groups gnomAD compares: African/African-American, 0.19%; 2 homozygotes.

Submission:

PreventionGenetics, part of Exact Sciences
Classification: Likely benign for MYOM2-related condition. Last evaluated: 2019-07-13. Review status: no assertion criteria provided. Collection method: clinical testing. Allele origin: germline.
Comment: This variant is classified as likely benign based on ACMG/AMP sequence variant interpretation guidelines (Richards et al. 2015 PMID: 25741868, with internal and published modifications).